The following is an entry in ClinVar:

NM_000528.4(MAN2B1):c.1027-2A>G

Gene: MAN2B1 (mannosidase alpha class 2B member 1; minus strand). Cytogenetic location: 19p13.13.
Variant type: single nucleotide variant.
Coding change: c.1027-2A>G on transcript NM_000528.4 (MANE Select); the canonical splice acceptor site of the intron before coding-DNA position 1027, A replaced by G.
Molecular consequence: splice acceptor variant. On other transcripts: intron variant (1).
Genome position (GRCh38, 1-based): chr19:12,658,512, T>C on the plus strand (A>G on the coding strand, the complement: MAN2B1 is on the minus strand). VCF-style: chr19-12658512-T-C. GRCh37 (hg19) VCF-style: chr19-12769326-T-C.
Other names: c.1027-5A>G (NM_001173498.2).
Identifiers: ClinVar variation 3644338 (VCV003644338.2).

ClinVar aggregate classification (germline): Likely pathogenic (1 of 4 stars; one submission).

Conditions:
Deficiency of alpha-mannosidase (MANSA). Also called: LYSOSOMAL ALPHA-D-MANNOSIDASE DEFICIENCY; Alpha-Mannosidosis; Mannosidosis, alpha-, types I and II. Identifiers: Orphanet 61, MedGen C0024748, MONDO:0009561, OMIM 248500.

gnomAD v4.1: 1 of 1,614,086 alleles (0.000062%); highest among the groups gnomAD compares: Non-Finnish European, 0.000085%; no homozygotes.

Submission:

Labcorp Genetics (formerly Invitae), Labcorp
Classification: Likely pathogenic for Deficiency of alpha-mannosidase. Last evaluated: 2024-03-03. Review status: criteria provided, single submitter. Criteria: Invitae Variant Classification Sherloc (09022015). Collection method: clinical testing. Allele origin: germline.
Comment: This sequence change affects an acceptor splice site in intron 7 of the MAN2B1 gene. It is expected to disrupt RNA splicing. Variants that disrupt the donor or acceptor splice site typically lead to a loss of protein function (PMID: 16199547), and loss-of-function variants in MAN2B1 are known to be pathogenic (PMID: 9915946, 22161967). This variant is not present in population databases (gnomAD no frequency). This variant has not been reported in the literature in individuals affected with MAN2B1-related conditions. Algorithms developed to predict the effect of sequence changes on RNA splicing suggest that this variant may disrupt the consensus splice site. In summary, the currently available evidence indicates that the variant is pathogenic, but additional data are needed to prove that conclusively. Therefore, this variant has been classified as Likely Pathogenic.

Literature cited by the submitters: PubMed 16199547; PubMed 9915946; PubMed 22161967.